The following is an entry in ClinVar:

ClinVar aggregate classification (germline): Uncertain significance (1 of 4 stars; one submission).

Submission:

Greenwood Genetic Center Diagnostic Laboratories, Greenwood Genetic Center
Classification: Uncertain significance. Last evaluated: 2023-04-20. Review status: criteria provided, single submitter. Criteria: ACMG Guidelines, 2015. Collection method: clinical testing. Allele origin: germline. Affected: yes.
Comment: Gene of Uncertain Significance

NM_018136.5(ASPM):c.8204T>C (p.Phe2735Ser)

Gene: ASPM (assembly factor for spindle microtubules; minus strand). Cytogenetic location: 1q31.3.
Variant type: single nucleotide variant.
Coding change: c.8204T>C on transcript NM_018136.5 (MANE Select); coding-DNA position 8204, T replaced by C.
Protein change: p.Phe2735Ser; replaces phenylalanine 2735 with serine.
Molecular consequence: missense variant. On other transcripts: intron variant (1).
Genome position (GRCh38, 1-based): chr1:197,101,047, A>G on the plus strand (T>C on the coding strand, the complement: ASPM is on the minus strand). VCF-style: chr1-197101047-A-G. GRCh37 (hg19) VCF-style: chr1-197070177-A-G.
Other names: c.4066-4883T>C (NM_001206846.2); short protein forms F2735S.
Identifiers: ClinVar variation 2572355 (VCV002572355.1), dbSNP rs2527289513, ClinGen allele CA344013879.